The following is an entry in ClinVar:

ClinVar aggregate classification (germline): Uncertain significance (1 of 4 stars; one submission).

Allele frequency attached by ClinVar (database versions not stated): TOPMed below 0.00001.

Submission:

Labcorp Genetics (formerly Invitae), Labcorp
Classification: Uncertain significance. Last evaluated: 2021-04-10. Review status: criteria provided, single submitter. Criteria: Invitae Variant Classification Sherloc (09022015). Collection method: clinical testing. Allele origin: germline.
Comment: In summary, the available evidence is currently insufficient to determine the role of this variant in disease. Therefore, it has been classified as a Variant of Uncertain Significance. Experimental studies and prediction algorithms are not available or were not evaluated, and the functional significance of this variant is currently unknown. This variant has not been reported in the literature in individuals with HTT-related conditions. This variant is not present in population databases (ExAC no frequency). This sequence change replaces alanine with glycine at codon 2920 of the HTT protein (p.Ala2920Gly). The alanine residue is highly conserved and there is a small physicochemical difference between alanine and glycine.

NM_001388492.1(HTT):c.8753C>G (p.Ala2918Gly)

Gene: HTT (huntingtin; plus strand). Cytogenetic location: 4p16.3.
Variant type: single nucleotide variant.
Coding change: c.8753C>G on transcript NM_001388492.1 (MANE Select); coding-DNA position 8753, C replaced by G.
Protein change: p.Ala2918Gly; replaces alanine 2918 with glycine.
Molecular consequence: missense variant.
Genome position (GRCh38, 1-based): chr4:3,235,746, C>G. VCF-style: chr4-3235746-C-G. GRCh37 (hg19) VCF-style: chr4-3237473-C-G.
Other names: c.8759C>G, p.Ala2920Gly (NM_002111.8); short protein forms A2918G, A2920G.
Identifiers: ClinVar variation 1386437 (VCV001386437.6), dbSNP rs1721495076, ClinGen allele CA356102488.